The following is an entry in ClinVar:

NM_000069.3(CACNA1S):c.584C>T (p.Pro195Leu)

Gene: CACNA1S (calcium voltage-gated channel subunit alpha1 S; minus strand). Cytogenetic location: 1q32.1.
Variant type: single nucleotide variant.
Coding change: c.584C>T on transcript NM_000069.3 (MANE Select); coding-DNA position 584, C replaced by T.
Protein change: p.Pro195Leu; replaces proline 195 with leucine.
Molecular consequence: missense variant.
Genome position (GRCh38, 1-based): chr1:201,091,750, G>A on the plus strand (C>T on the coding strand, the complement: CACNA1S is on the minus strand). VCF-style: chr1-201091750-G-A. GRCh37 (hg19) VCF-style: chr1-201060878-G-A.
Other names: short protein forms P195L.
Identifiers: ClinVar variation 4819060 (VCV004819060.1).

ClinVar aggregate classification (germline): Uncertain significance (1 of 4 stars; one submission).

Conditions:
Congenital myopathy 18. Also called: DIHYDROPYRIDINE RECEPTOR CONGENITAL MYOPATHY; DHPR CONGENITAL MYOPATHY; Myopathy, congenital, due to dihydropyridine receptor defect. Identifiers: MedGen C5830283, MONDO:0859514, OMIM 620246.

Submission:

Victorian Clinical Genetics Services, Murdoch Childrens Research Institute
Classification: Uncertain significance for Congenital myopathy 18. Last evaluated: 2026-01-14. Review status: criteria provided, single submitter. Criteria: ACMG Guidelines, 2015. Collection method: clinical testing. Allele origin: germline. Affected: yes.
Comment: This variant is classified as VUS-3A. Evidence in support of pathogenic classification: Variant is absent from gnomAD (v2, v3 and v4); Missense variant predicted to be damaging by in silico tool(s) or highly conserved with a major amino acid change. Additional information: Variant is predicted to result in a missense amino acid change from Pro to Leu; This variant is heterozygous; This gene is associated with both recessive and dominant disease. Hypokalemic periodic paralysis type 1 (MIM#170400), malignant hyperthermia susceptibility 5 (MIM#601887), and thyrotoxic periodic paralysis susceptibility 1 (MIM#188580) are inherited in a dominant manner. Whereas congenital myopathy 18 due to dihydropyridine receptor defect (MIM#620246) has been reported to be inherited in both a dominant and recessive manner (PMID: 28012042); Alternative amino acid change(s) at the same position are present in gnomAD (highest allele count: v4: 5 heterozygote(s), 0 homozygote(s)); This variant has no previous evidence of pathogenicity; No published evidence of segregation with disease has been identified for this variant; No published functional evidence has been identified for this variant; Another missense variant(s) comparable to the one identified in this case has inconclusive previous evidence for pathogenicity. p.(Pro195Ser) has been classified as a VUS by a clinical laboratory in ClinVar; Variant is located in the annotated ion transport protein domain (DECIPHER); Loss of function is a known mechanism of disease in this gene and is associated with congenital myopathy 18 due to dihydropyridine receptor defect (MIM#620246). Whereas gain of function or dominant negative are suspected mechanisms of disease for hypokalemic periodic paralysis type 1 (MIM#170400) and malignant hyperthermia susceptibility 5 (MIM#601887). Additionally, the mechanism of disease is not well established for thyrotoxic periodic paralysis susceptibility 1 (MIM#188580); The hypokalemic periodic paralysis phenotype associated with this gene has incomplete penetrance (PMID: 34777470); Variants in this gene are known to have variable expressivity (OMIM); Inheritance information for this variant is not currently available in this individual.

Literature cited by the submitters: PubMed 28012042; PubMed 34777470.